The following is an entry in ClinVar:

ClinVar aggregate classification (germline): Uncertain significance (1 of 4 stars; one submission).

Conditions:
RYR1-related disorder. Also called: RYR1-related condition; RYR1-related disorders. Identifiers: MedGen CN239331.

Submission:

Labcorp Genetics (formerly Invitae), Labcorp
Classification: Uncertain significance for RYR1-related disorder. Last evaluated: 2025-10-01. Review status: criteria provided, single submitter. Criteria: Invitae Variant Classification Sherloc (09022015). Collection method: clinical testing. Allele origin: germline.
Comment: This variant, c.12835_12852del, results in the deletion of 6 amino acid(s) of the RYR1 protein (p.Ala4279_Gly4284del), but otherwise preserves the integrity of the reading frame. This variant is not present in population databases (gnomAD no frequency). This variant has not been reported in the literature in individuals affected with RYR1-related conditions. In summary, the available evidence is currently insufficient to determine the role of this variant in disease. Therefore, it has been classified as a Variant of Uncertain Significance.

NM_000540.3(RYR1):c.12835_12852del (p.Ala4279_Gly4284del)

Gene: RYR1 (ryanodine receptor 1; plus strand). Cytogenetic location: 19q13.2.
Variant type: Deletion.
Coding change: c.12835_12852del on transcript NM_000540.3 (MANE Select); coding-DNA positions 12835 to 12852, 18 bases deleted (GCGGCGGGGCTCGAGGGC).
Protein change: p.Ala4279_Gly4284del.
Molecular consequence: inframe deletion.
Genome position (GRCh38, 1-based): chr19:38,565,169-38,565,186, GCGGCGGGGCTCGAGGGC deleted; deleting any 18 consecutive bases within chr19:38,565,163-38,565,186 gives the same sequence; the c. name uses the placement nearest the transcript's 3' end. VCF-style (leftmost placement, unchanged base first): chr19-38565162-GGAGGGCGCGGCGGGGCTC-G. GRCh37 (hg19) VCF-style: chr19-39055802-GGAGGGCGCGGCGGGGCTC-G.
Other names: c.12820_12837del, p.Ala4274_Gly4279del (NM_001042723.2).
Identifiers: ClinVar variation 4751552 (VCV004751552.1).